The following is an entry in ClinVar:

Single allele

Genes: GPR143 (G protein-coupled receptor 143; minus strand), SHROOM2 (shroom family member 2; plus strand), TBL1X (transducin beta like 1 X-linked; plus strand), WWC3 (WWC family member 3; plus strand). Cytogenetic location: Xp22.31-22.2.
Variant type: Duplication.
Identifiers: ClinVar variation 560040 (VCV000560040.3).

ClinVar aggregate classification (germline): Uncertain significance (1 of 4 stars; one submission).

Submission:

Geisinger Autism and Developmental Medicine Institute, Geisinger Health System
Classification: Uncertain significance. Last evaluated: 2018-04-05. Review status: criteria provided, single submitter. Criteria: ACMG CNV Guidelines, 2011. Collection method: provider interpretation. Allele origin: maternal.